The following is an entry in ClinVar:

NM_000548.5(TSC2):c.4437C>A (p.Ala1479=)

Gene: TSC2 (TSC complex subunit 2; plus strand). Cytogenetic location: 16p13.3.
Variant type: single nucleotide variant.
Coding change: c.4437C>A on transcript NM_000548.5 (MANE Select); coding-DNA position 4437, C replaced by A.
Protein change: p.Ala1479=; no amino-acid change (alanine 1479 retained).
Molecular consequence: synonymous variant. On other transcripts: non-coding transcript variant (5).
Genome position (GRCh38, 1-based): chr16:2,084,659, C>A. VCF-style: chr16-2084659-C-A. GRCh37 (hg19) VCF-style: chr16-2134660-C-A.
Other names: c.4236C>A, p.Ala1412= (NM_001077183.3); c.4368C>A, p.Ala1456= (NM_001114382.3); c.4128C>A, p.Ala1376= (NM_001318827.2); c.4092C>A, p.Ala1364= (NM_001318829.2); c.3705C>A, p.Ala1235= (NM_001318831.2); c.4269C>A, p.Ala1423= (NM_001318832.2); c.4239C>A, p.Ala1413= (NM_001363528.2); c.4305C>A, p.Ala1435= (NM_001370404.1); and 26 more.
Identifiers: ClinVar variation 1692503 (VCV001692503.2), dbSNP rs2151536553, ClinGen allele CA493043339.

ClinVar aggregate classification (germline): Benign/Likely benign. Review status: criteria provided, multiple submitters, no conflicts (2 of 4 stars). 2 submissions from 2 submitters: Benign (1); Likely benign (1). Last evaluated 2025-06-03.

Conditions:
Hereditary cancer-predisposing syndrome. Also called: Neoplastic Syndromes, Hereditary; Hereditary Cancer Syndrome; Tumor predisposition; Hereditary neoplastic syndrome. Identifiers: Orphanet 140162, MedGen C0027672, MeSH D009386, MONDO:0015356.
Tuberous sclerosis 2 (TSC2). Identifiers: Orphanet 805, MedGen C1860707, MONDO:0013199, OMIM 613254.

Submissions (2):

Myriad Genetics, Inc.
Classification: Benign for Tuberous sclerosis 2. Last evaluated: 2025-06-03. Review status: criteria provided, single submitter. Criteria: Myriad Autosomal Dominant, Autosomal Recessive and X-Linked Classification Criteria (2023). Collection method: clinical testing. Allele origin: unknown.
Comment: This variant is considered benign. This variant is a silent/synonymous amino acid change and it is not expected to impact splicing.

Sema4
Classification: Likely benign for Hereditary cancer-predisposing syndrome. Last evaluated: 2021-10-30. Review status: criteria provided, single submitter. Criteria: Sema4 Curation Guidelines. Collection method: curation. Allele origin: germline.